The following is an entry in ClinVar:

ClinVar aggregate classification (germline): Uncertain significance. Review status: criteria provided, multiple submitters, no conflicts (2 of 4 stars). 5 submissions from 4 submitters: Uncertain significance (5). Last evaluated 2025-11-13.

Conditions:
Charcot-Marie-Tooth disease axonal type 2Q. Also called: CHARCOT-MARIE-TOOTH DISEASE, AXONAL, AUTOSOMAL DOMINANT, TYPE 2Q; CHARCOT-MARIE-TOOTH NEUROPATHY, TYPE 2Q. Identifiers: Orphanet 329258, MedGen C3554366, MONDO:0014012, OMIM 615025.
2-aminoadipic 2-oxoadipic aciduria (AAKAD). Also called: Aminoadipic aciduria; ALPHA-AMINOADIPIC AND ALPHA-KETOADIPIC ACIDURIA. Identifiers: Orphanet 79154, MedGen C1859817, MONDO:0008774, OMIM 204750.
Inborn genetic diseases. Identifiers: MedGen C0950123, MeSH D030342.

Allele frequency attached by ClinVar (database versions not stated): gnomAD 0.00002; ESP Exome Variant Server 0.00008; TOPMed 0.00003.
gnomAD v4.1: 9 of 1,613,870 alleles (0.00056%); highest among the groups gnomAD compares: African/African-American, 0.0053%; no homozygotes.

Submissions (5):

Ambry Genetics
Classification: Uncertain significance for Inborn genetic diseases. Last evaluated: 2025-11-13. Review status: criteria provided, single submitter. Criteria: Ambry Variant Classification Scheme 2023. Collection method: clinical testing. Allele origin: germline.

Dasa
Classification: Uncertain significance. Last evaluated: 2025-09-05. Review status: criteria provided, single submitter. Criteria: DASA Assertion Criteria. Collection method: clinical testing. Allele origin: germline.
Comment: NM_018706.7(DHTKD1):c.1792C>T (p.Arg598Cys) is a missense variant that results in the substitution of arginine with cysteine. This variant is rare in population databases. Computational prediction algorithms are consistent with a deleterious effect. The currently available literature and clinical evidence are not sufficient to establish a definitive association between this variant and the reported condition. Therefore, this variant is classified as a variant of uncertain significance.

Labcorp Genetics (formerly Invitae), Labcorp
Classification: Uncertain significance for 2-aminoadipic 2-oxoadipic aciduria. Last evaluated: 2024-09-02. Review status: criteria provided, single submitter. Criteria: Invitae Variant Classification Sherloc (09022015). Collection method: clinical testing. Allele origin: germline.
Comment: This sequence change replaces arginine, which is basic and polar, with cysteine, which is neutral and slightly polar, at codon 598 of the DHTKD1 protein (p.Arg598Cys). This variant is present in population databases (rs375292909, gnomAD 0.007%). This variant has not been reported in the literature in individuals affected with DHTKD1-related conditions. ClinVar contains an entry for this variant (Variation ID: 548564). Invitae Evidence Modeling of protein sequence and biophysical properties (such as structural, functional, and spatial information, amino acid conservation, physicochemical variation, residue mobility, and thermodynamic stability) indicates that this missense variant is expected to disrupt DHTKD1 protein function with a positive predictive value of 80%. In summary, the available evidence is currently insufficient to determine the role of this variant in disease. Therefore, it has been classified as a Variant of Uncertain Significance.

Genomic Research Center, Shahid Beheshti University of Medical Sciences
Classification: Uncertain significance for Charcot-Marie-Tooth disease axonal type 2Q. Last evaluated: 2018-03-05. Review status: criteria provided, single submitter. Criteria: ACMG Guidelines, 2015. Collection method: clinical testing. Allele origin: inherited. Affected: yes. Observed: 1 variant allele.

Genomic Research Center, Shahid Beheshti University of Medical Sciences
Classification: Uncertain significance for 2-aminoadipic 2-oxoadipic aciduria. Last evaluated: 2018-03-05. Review status: criteria provided, single submitter. Criteria: ACMG Guidelines, 2015. Collection method: clinical testing. Allele origin: inherited. Affected: yes. Observed: 1 variant allele.

NM_018706.7(DHTKD1):c.1792C>T (p.Arg598Cys)

Gene: DHTKD1 (dehydrogenase E1 and transketolase domain containing 1; plus strand). Cytogenetic location: 10p14.
Variant type: single nucleotide variant.
Coding change: c.1792C>T on transcript NM_018706.7 (MANE Select); coding-DNA position 1792, C replaced by T.
Protein change: p.Arg598Cys; replaces arginine 598 with cysteine.
Molecular consequence: missense variant.
Genome position (GRCh38, 1-based): chr10:12,101,077, C>T. VCF-style: chr10-12101077-C-T. GRCh37 (hg19) VCF-style: chr10-12143076-C-T.
Other names: c.1792C>T (NM_018706.5); short protein forms R598C.
Identifiers: ClinVar variation 548564 (VCV000548564.13), dbSNP rs375292909, ClinGen allele CA202587887.